The following is an entry in ClinVar:

ClinVar aggregate classification (germline): Uncertain significance (1 of 4 stars; one submission).

Conditions:
Hereditary cancer-predisposing syndrome. Also called: Tumor predisposition; Hereditary neoplastic syndrome; Neoplastic Syndromes, Hereditary; Hereditary Cancer Syndrome. Identifiers: Orphanet 140162, MedGen C0027672, MeSH D009386, MONDO:0015356.

Submission:

Ambry Genetics
Classification: Uncertain significance for Hereditary cancer-predisposing syndrome. Last evaluated: 2025-03-22. Review status: criteria provided, single submitter. Criteria: Ambry Variant Classification Scheme 2023. Collection method: clinical testing. Allele origin: germline.
Comment: The p.H641Q variant (also known as c.1923T>A), located in coding exon 7 of the BLM gene, results from a T to A substitution at nucleotide position 1923. The histidine at codon 641 is replaced by glutamine, an amino acid with highly similar properties. This amino acid position is conserved. In addition, this alteration is predicted to be tolerated by in silico analysis. Based on the available evidence, the clinical significance of this variant remains unclear.

NM_000057.4(BLM):c.1923T>A (p.His641Gln)

Gene: BLM (BLM RecQ like helicase; plus strand). Cytogenetic location: 15q26.1.
Variant type: single nucleotide variant.
Coding change: c.1923T>A on transcript NM_000057.4 (MANE Select); coding-DNA position 1923, T replaced by A.
Protein change: p.His641Gln; replaces histidine 641 with glutamine.
Molecular consequence: missense variant.
Genome position (GRCh38, 1-based): chr15:90,763,006, T>A. VCF-style: chr15-90763006-T-A. GRCh37 (hg19) VCF-style: chr15-91306236-T-A.
Other names: c.1923T>A, p.His641Gln (NM_001287246.2, NM_001287247.2); c.798T>A, p.His266Gln (NM_001287248.2); short protein forms H266Q, H641Q.
Identifiers: ClinVar variation 3991611 (VCV003991611.1).
Genomic context (GRCh38, chr15:90,763,006, plus strand): 5'-AACGTTGATTATTTTCCTAGACAAGTCAGCACAAAATTTAGCATCCAGAAATCTGAAACA[T>A]GAGCGTTTCCAAAGTCTTAGTTTTCCTCATACAAAGGAAATGATGAAGATTTTTCATAAA-3'
Protein context (NP_000048.1, residues 631-651): AQNLASRNLK[His641Gln]ERFQSLSFPH